The following is an entry in ClinVar:

ClinVar aggregate classification (germline): Benign/Likely benign. Review status: criteria provided, multiple submitters, no conflicts (2 of 4 stars). 5 submissions from 5 submitters: Benign (1); Likely benign (4). Last evaluated 2025-02-16.

Allele frequency attached by ClinVar (database versions not stated): TOPMed 0.00002; gnomAD exomes 0.00006 and 0.00028; gnomAD 0.00009; ExAC 0.00095.
gnomAD v4.1: 88 of 1,336,344 alleles (0.0066%); highest among the groups gnomAD compares: Admixed American, 0.0081%; no homozygotes.

Submissions (5):

Laboratory of Genetics, Children's Clinical University Hospital Latvia
Classification: Likely benign. Last evaluated: 2025-02-16. Review status: criteria provided, single submitter. Criteria: ACMG Guidelines, 2015. Collection method: clinical testing. Allele origin: germline. Affected: yes.

Labcorp Genetics (formerly Invitae), Labcorp
Classification: Benign. Last evaluated: 2024-08-17. Review status: criteria provided, single submitter. Criteria: Invitae Variant Classification Sherloc (09022015). Collection method: clinical testing. Allele origin: germline.

Blueprint Genetics
Classification: Likely benign. Last evaluated: 2024-05-13. Review status: criteria provided, single submitter. Criteria: ACMG Guidelines, 2015. Collection method: clinical testing. Allele origin: germline.

CeGaT Center for Human Genetics Tuebingen
Classification: Likely benign. Last evaluated: 2024-03-01. Review status: criteria provided, single submitter. Criteria: CeGaT Center For Human Genetics Tuebingen Variant Classification Criteria Version 2. Collection method: clinical testing. Allele origin: germline. Affected: yes. Observed: 2 variant alleles.
Comment: ARID1A: BP4, BP7

GeneDx
Classification: Likely benign. Last evaluated: 2020-10-08. Review status: criteria provided, single submitter. Criteria: GeneDx Variant Classification Process June 2021. Collection method: clinical testing. Allele origin: germline. Affected: yes.

NM_006015.6(ARID1A):c.927G>A (p.Gln309=)

Genes: ARID1A (AT-rich interaction domain 1A; plus strand), LOC129929837 (ATAC-STARR-seq lymphoblastoid silent region 489; plus strand). Cytogenetic location: 1p36.11.
Variant type: single nucleotide variant.
Coding change: c.927G>A on transcript NM_006015.6 (MANE Select); coding-DNA position 927, G replaced by A.
Protein change: p.Gln309=; no amino-acid change (glutamine 309 retained).
Molecular consequence: synonymous variant.
Genome position (GRCh38, 1-based): chr1:26,697,330, G>A. VCF-style: chr1-26697330-G-A. GRCh37 (hg19) VCF-style: chr1-27023821-G-A.
Other names: c.927G>A, p.Gln309= (NM_139135.4).
Identifiers: ClinVar variation 1195536 (VCV001195536.31), dbSNP rs773053567, ClinGen allele CA706706.